The following is an entry in ClinVar:

ClinVar aggregate classification (germline): Uncertain significance (1 of 4 stars; one submission).

gnomAD v4.1: 21 of 1,611,910 alleles (0.0013%); highest among the groups gnomAD compares: Middle Eastern, 0.016%; no homozygotes.

Submission:

Labcorp Genetics (formerly Invitae), Labcorp
Classification: Uncertain significance. Last evaluated: 2024-03-13. Review status: criteria provided, single submitter. Criteria: Invitae Variant Classification Sherloc (09022015). Collection method: clinical testing. Allele origin: germline.
Comment: This sequence change replaces serine, which is neutral and polar, with alanine, which is neutral and non-polar, at codon 191 of the BUB1 protein (p.Ser191Ala). This variant is present in population databases (rs760051153, gnomAD 0.007%). This variant has not been reported in the literature in individuals affected with BUB1-related conditions. Experimental studies and prediction algorithms are not available or were not evaluated, and the functional significance of this variant is currently unknown. In summary, the available evidence is currently insufficient to determine the role of this variant in disease. Therefore, it has been classified as a Variant of Uncertain Significance.

NM_004336.5(BUB1):c.571T>G (p.Ser191Ala)

Gene: BUB1 (BUB1 mitotic checkpoint serine/threonine kinase; minus strand). Cytogenetic location: 2q13.
Variant type: single nucleotide variant.
Coding change: c.571T>G on transcript NM_004336.5 (MANE Select); coding-DNA position 571, T replaced by G.
Protein change: p.Ser191Ala; replaces serine 191 with alanine.
Molecular consequence: missense variant.
Genome position (GRCh38, 1-based): chr2:110,667,846, A>C on the plus strand (T>G on the coding strand, the complement: BUB1 is on the minus strand). VCF-style: chr2-110667846-A-C. GRCh37 (hg19) VCF-style: chr2-111425423-A-C.
Other names: c.511T>G, p.Ser171Ala (NM_001278616.2); c.571T>G, p.Ser191Ala (NM_001278617.2); short protein forms S171A, S191A.
Identifiers: ClinVar variation 3715646 (VCV003715646.2).